The following is an entry in ClinVar:

NC_000006.11:g.(?_132129176)_(132211651_?)dup

Gene: ENPP1 (ectonucleotide pyrophosphatase/phosphodiesterase 1; plus strand). Cytogenetic location: 6q23.2.
Variant type: Duplication.
Identifiers: ClinVar variation 3246195 (VCV003246195.1).

ClinVar aggregate classification (germline): Uncertain significance (1 of 4 stars; one submission).

Submission:

Labcorp Genetics (formerly Invitae), Labcorp
Classification: Uncertain significance. Last evaluated: 2022-12-02. Review status: criteria provided, single submitter. Criteria: Invitae Variant Classification Sherloc (09022015). Collection method: clinical testing. Allele origin: unknown.
Comment: In summary, the available evidence is currently insufficient to determine the role of this variant in disease. Therefore, it has been classified as a Variant of Uncertain Significance. Experimental studies and prediction algorithms are not available or were not evaluated, and the functional significance of this variant is currently unknown. This variant has not been reported in the literature in individuals affected with ENPP1-related conditions. A copy number gain of the genomic region encompassing the full coding sequence of the ENPP1 gene has been identified. The boundaries of this event are unknown as they extend beyond the assayed region for this gene and therefore may encompass additional genes. As the precise location of this event is unknown, it may be in tandem or it may be located elsewhere in the genome.